The following is an entry in ClinVar:

NM_001429.4(EP300):c.4172+4T>C

Gene: EP300 (E1A binding protein p300; plus strand). Cytogenetic location: 22q13.2.
Variant type: single nucleotide variant.
Coding change: c.4172+4T>C on transcript NM_001429.4 (MANE Select); 4 bases into the intron after coding-DNA position 4172, T replaced by C.
Molecular consequence: intron variant.
Genome position (GRCh38, 1-based): chr22:41,168,871, T>C. VCF-style: chr22-41168871-T-C. GRCh37 (hg19) VCF-style: chr22-41564875-T-C.
Other names: c.4094+4T>C (NM_001362843.2).
Identifiers: ClinVar variation 3347219 (VCV003347219.1).

ClinVar aggregate classification (germline): Likely benign (0 of 4 stars; one submission).

Conditions:
EP300-related disorder. Also called: EP300-related disorders; EP300-related condition.

gnomAD v4.1: 2 of 1,614,246 alleles (0.00012%); highest among the groups gnomAD compares: Admixed American, 0.0033%; no homozygotes.

Submission:

PreventionGenetics, part of Exact Sciences
Classification: Likely benign for EP300-related condition. Last evaluated: 2024-07-03. Review status: no assertion criteria provided. Collection method: clinical testing. Allele origin: germline.
Comment: This variant is classified as likely benign based on ACMG/AMP sequence variant interpretation guidelines (Richards et al. 2015 PMID: 25741868, with internal and published modifications).